The following is an entry in ClinVar:

NM_006648.4(WNK2):c.3664G>A (p.Gly1222Arg)

Gene: WNK2 (WNK lysine deficient protein kinase 2; plus strand). Cytogenetic location: 9q22.31.
Variant type: single nucleotide variant.
Coding change: c.3664G>A on transcript NM_006648.4 (MANE Select); coding-DNA position 3664, G replaced by A.
Protein change: p.Gly1222Arg; replaces glycine 1222 with arginine.
Molecular consequence: missense variant.
Genome position (GRCh38, 1-based): chr9:93,264,001, G>A. VCF-style: chr9-93264001-G-A. GRCh37 (hg19) VCF-style: chr9-96026283-G-A.
Other names: c.3664G>A, p.Gly1222Arg (NM_001282394.3); short protein forms G1222R.
Identifiers: ClinVar variation 4605209 (VCV004605209.1).
Genomic context (GRCh38, chr9:93,264,001, plus strand): 5'-GTGGAGTGCCAGCTGGAGACGCACAACCACAAGATGGTGACCTTCAAGTTCGACTTGGAC[G>A]GGGACGCACCCGATGAAATTGCCACGTATATGGTGAGGCTGGGTCTGGGTGGCTTGGCTC-3'
Protein context (NP_006639.3, residues 1212-1232): KMVTFKFDLD[Gly1222Arg]DAPDEIATYM

ClinVar aggregate classification (germline): Uncertain significance (1 of 4 stars; one submission).

Submission:

Ambry Genetics
Classification: Uncertain significance. Last evaluated: 2025-09-28. Review status: criteria provided, single submitter. Criteria: Ambry Variant Classification Scheme 2023. Collection method: clinical testing. Allele origin: germline.
Comment: The p.G1222R variant (also known as c.3664G>A), located in coding exon 15 of the WNK2 gene, results from a G to A substitution at nucleotide position 3664. The glycine at codon 1222 is replaced by arginine, an amino acid with dissimilar properties. This amino acid position is conserved. In addition, this alteration is predicted to be deleterious by in silico analysis. Based on the available evidence, the clinical significance of this variant remains unclear.